The following is an entry in ClinVar:

ClinVar aggregate classification (germline): Uncertain significance (1 of 4 stars; one submission).

Conditions:
Leber congenital amaurosis 2 (LCA2). Also called: Autosomal Recessive RPE65-Related Retinal Degeneration; AMAUROSIS CONGENITA OF LEBER II. Identifiers: Orphanet 65, MedGen C1859844, MONDO:0008765, OMIM 204100. Disease mechanism: loss of function.
Retinitis pigmentosa 20 (RP20). Identifiers: Orphanet 791, MedGen C3151086, MONDO:0013425, OMIM 613794.

Submission:

Labcorp Genetics (formerly Invitae), Labcorp
Classification: Uncertain significance for Leber congenital amaurosis 2; Retinitis pigmentosa 20. Last evaluated: 2022-06-04. Review status: criteria provided, single submitter. Criteria: Invitae Variant Classification Sherloc (09022015). Collection method: clinical testing. Allele origin: germline.
Comment: This variant, c.400_402del, results in the deletion of 1 amino acid(s) of the RPE65 protein (p.Val134del), but otherwise preserves the integrity of the reading frame. This variant is not present in population databases (gnomAD no frequency). This variant has been observed in individual(s) with autosomal recessive retinal dystrophy (Invitae). In at least one individual the data is consistent with being in trans (on the opposite chromosome) from a pathogenic variant. ClinVar contains an entry for this variant (Variation ID: 938014). Experimental studies and prediction algorithms are not available or were not evaluated, and the functional significance of this variant is currently unknown. In summary, the available evidence is currently insufficient to determine the role of this variant in disease. Therefore, it has been classified as a Variant of Uncertain Significance.

NM_000329.3(RPE65):c.400_402del (p.Val134del)

Gene: RPE65 (retinoid isomerohydrolase RPE65; minus strand). Cytogenetic location: 1p31.3.
Variant type: Deletion.
Coding change: c.400_402del on transcript NM_000329.3 (MANE Select); coding-DNA positions 400 to 402, 3 bases deleted (GTT; older notation c.400_402delGTT).
Protein change: p.Val134del; deletes valine 134.
Molecular consequence: inframe deletion.
Genome position (GRCh38, 1-based): chr1:68,444,624-68,444,626, AAC deleted on the plus strand (GTT on the coding strand, the reverse complement: RPE65 is on the minus strand); deleting any 3 consecutive bases within chr1:68,444,624-68,444,628 gives the same sequence; the c. name uses the placement nearest the transcript's 3' end. VCF-style (leftmost placement, unchanged base first): chr1-68444623-TAAC-T. GRCh37 (hg19) VCF-style: chr1-68910306-TAAC-T.
Other names: short protein forms V134del.
Identifiers: ClinVar variation 938014 (VCV000938014.7), dbSNP rs1170746947, ClinGen allele CA738204684.